The following is an entry in ClinVar:

NM_000368.5(TSC1):c.1921C>T (p.Pro641Ser)

Gene: TSC1 (TSC complex subunit 1; minus strand). Cytogenetic location: 9q34.13.
Variant type: single nucleotide variant.
Coding change: c.1921C>T on transcript NM_000368.5 (MANE Select); coding-DNA position 1921, C replaced by T.
Protein change: p.Pro641Ser; replaces proline 641 with serine.
Molecular consequence: missense variant.
Genome position (GRCh38, 1-based): chr9:132,905,657, G>A on the plus strand (C>T on the coding strand, the complement: TSC1 is on the minus strand). VCF-style: chr9-132905657-G-A. GRCh37 (hg19) VCF-style: chr9-135781044-G-A.
Other names: p.P641S:CCC>TCC; c.1918C>T, p.Pro640Ser (NM_001162426.2); c.1768C>T, p.Pro590Ser (NM_001162427.2); c.1558C>T, p.Pro520Ser (NM_001362177.2); short protein forms P641S, P640S, P520S, P590S.
Identifiers: ClinVar variation 135364 (VCV000135364.55), dbSNP rs374222196, ClinGen allele CA005597.

ClinVar aggregate classification (germline): Conflicting classifications of pathogenicity. Review status: criteria provided, conflicting classifications (1 of 4 stars). 14 submissions from 14 submitters: Uncertain significance (1); Benign (8); Likely benign (3). 2 of the submissions do not count toward it. Last evaluated 2026-06-01.

Conditions:
TSC1-related disorder. Also called: TSC1-related condition.
Hereditary cancer-predisposing syndrome. Also called: Tumor predisposition; Hereditary neoplastic syndrome; Hereditary Cancer Syndrome; Neoplastic Syndromes, Hereditary. Identifiers: Orphanet 140162, MedGen C0027672, MeSH D009386, MONDO:0015356.
Tuberous sclerosis syndrome (TSC). Also called: Tuberous Sclerosis Complex; Tuberous sclerosis. Identifiers: Orphanet 805, MedGen C0041341, MONDO:0001734.
Tuberous sclerosis 1 (TSC1). Identifiers: Orphanet 805, MedGen C1854465, MONDO:0008612, OMIM 191100.

Allele frequency attached by ClinVar (database versions not stated): gnomAD exomes 0.00001 and 0.00005; ExAC 0.00003; gnomAD 0.00005; TOPMed 0.00005.
gnomAD v4.1: 80 of 1,614,074 alleles (0.005%); highest among the groups gnomAD compares: East Asian, 0.042%; no homozygotes.

Submissions (14):

CeGaT Center for Human Genetics Tuebingen
Classification: Likely benign. Last evaluated: 2026-06-01. Review status: criteria provided, single submitter. Criteria: CeGaT Center For Human Genetics Tuebingen Variant Classification Criteria Version 2. Collection method: clinical testing. Allele origin: germline. Affected: yes. Observed: 2 variant alleles.
Comment: TSC1: BP4

Labcorp Genetics (formerly Invitae), Labcorp
Classification: Benign for Tuberous sclerosis 1. Last evaluated: 2026-02-04. Review status: criteria provided, single submitter. Criteria: Invitae Variant Classification Sherloc (09022015). Collection method: clinical testing. Allele origin: germline.

Quest Diagnostics Nichols Institute San Juan Capistrano
Classification: Benign. Last evaluated: 2025-05-21. Review status: criteria provided, single submitter. Criteria: Quest Diagnostics criteria. Collection method: clinical testing. Allele origin: unknown.

ARUP Laboratories, Molecular Genetics and Genomics, ARUP Laboratories
Classification: Likely benign. Last evaluated: 2024-12-26. Review status: criteria provided, single submitter. Criteria: ARUP Molecular Germline Variant Investigation Process 2024. Collection method: clinical testing. Allele origin: germline.

Myriad Genetics, Inc.
Classification: Benign for Tuberous sclerosis 1. Last evaluated: 2024-09-05. Review status: criteria provided, single submitter. Criteria: Myriad Autosomal Dominant, Autosomal Recessive and X-Linked Classification Criteria (2023). Collection method: clinical testing. Allele origin: unknown.
Comment: This variant is considered benign. Homozygosity has been confirmed in one or more individuals. As homozygosity for pathogenic variants in this gene is generally assumed to result in embryonic lethality, this variant is unlikely to be pathogenic. This variant has been observed at a population frequency that is significantly greater than expected given the associated disease prevalence and penetrance.

Blueprint Genetics
Classification: Likely benign. Last evaluated: 2024-07-02. Review status: criteria provided, single submitter. Criteria: ACMG Guidelines, 2015. Collection method: clinical testing. Allele origin: germline.

Color Diagnostics, LLC DBA Color Health
Classification: Benign for Tuberous sclerosis syndrome. Last evaluated: 2022-11-08. Review status: criteria provided, single submitter. Criteria: ACMG Guidelines, 2015. Collection method: clinical testing. Allele origin: germline.

Genome-Nilou Lab
Classification: Benign for Tuberous sclerosis 1. Last evaluated: 2021-11-07. Review status: criteria provided, single submitter. Criteria: ACMG Guidelines, 2015. Collection method: clinical testing. Allele origin: germline. Affected: no.

Sema4
Classification: Benign for Hereditary cancer-predisposing syndrome. Last evaluated: 2020-12-31. Review status: criteria provided, single submitter. Criteria: Sema4 Curation Guidelines. Collection method: curation. Allele origin: germline.

GeneDx
Classification: Benign. Last evaluated: 2019-07-05. Review status: criteria provided, single submitter. Criteria: GeneDx Variant Classification Process June 2021. Collection method: clinical testing. Allele origin: germline. Affected: yes.
Comment: This variant is associated with the following publications: (PMID: 24728327)

Ambry Genetics
Classification: Benign for Hereditary cancer-predisposing syndrome. Last evaluated: 2018-06-28. Review status: criteria provided, single submitter. Criteria: Ambry Variant Classification Scheme 2023. Collection method: clinical testing. Allele origin: germline.

Eurofins Ntd Llc (ga)
Classification: Uncertain significance. Last evaluated: 2016-02-12. Review status: criteria provided, single submitter. Criteria: EGL Classification Definitions 2015. Collection method: clinical testing. Allele origin: germline. Observed: 1 variant allele, 1 heterozygote.

PreventionGenetics, part of Exact Sciences
Classification: Likely benign for TSC1-related condition. Last evaluated: 2022-02-01. Review status: no assertion criteria provided. Collection method: clinical testing. Allele origin: germline. Not counted in ClinVar's aggregate classification.
Comment: This variant is classified as likely benign based on ACMG/AMP sequence variant interpretation guidelines (Richards et al. 2015 PMID: 25741868, with internal and published modifications).

ITMI
No classification provided. Condition: AllHighlyPenetrant. Last evaluated: 2013-09-19. Review status: no classification provided. Collection method: reference population. Allele origin: germline. Not counted in ClinVar's aggregate classification.
Comment: Please see associated publication for description of ethnicities

Literature cited by the submitters: PubMed 24728327 (cited by ITMI).